The following is an entry in ClinVar:

ClinVar aggregate classification (germline): Uncertain significance (1 of 4 stars; one submission).

Conditions:
Treacher Collins syndrome 1 (TCS1). Also called: TCOF1-Related Treacher Collins Syndrome. Identifiers: Orphanet 861, MedGen CN315775, MONDO:0007944, OMIM 154500.

gnomAD v4.1: 8 of 1,614,128 alleles (0.0005%); highest among the groups gnomAD compares: Admixed American, 0.0083%; no homozygotes.

Submission:

Labcorp Genetics (formerly Invitae), Labcorp
Classification: Uncertain significance for Treacher Collins syndrome 1. Last evaluated: 2022-10-13. Review status: criteria provided, single submitter. Criteria: Invitae Variant Classification Sherloc (09022015). Collection method: clinical testing. Allele origin: germline.
Comment: This sequence change replaces serine, which is neutral and polar, with asparagine, which is neutral and polar, at codon 583 of the TCOF1 protein (p.Ser583Asn). This variant is present in population databases (rs756058042, gnomAD 0.01%). This variant has not been reported in the literature in individuals affected with TCOF1-related conditions. Advanced modeling of protein sequence and biophysical properties (such as structural, functional, and spatial information, amino acid conservation, physicochemical variation, residue mobility, and thermodynamic stability) performed at Invitae indicates that this missense variant is not expected to disrupt TCOF1 protein function. In summary, the available evidence is currently insufficient to determine the role of this variant in disease. Therefore, it has been classified as a Variant of Uncertain Significance.

NM_001371623.1(TCOF1):c.1748G>A (p.Ser583Asn)

Gene: TCOF1 (treacle ribosome biogenesis factor 1; plus strand). Cytogenetic location: 5q32.
Variant type: single nucleotide variant.
Coding change: c.1748G>A on transcript NM_001371623.1 (MANE Select); coding-DNA position 1748, G replaced by A.
Protein change: p.Ser583Asn; replaces serine 583 with asparagine.
Molecular consequence: missense variant.
Genome position (GRCh38, 1-based): chr5:150,375,764, G>A. VCF-style: chr5-150375764-G-A. GRCh37 (hg19) VCF-style: chr5-149755327-G-A.
Other names: c.1517G>A, p.Ser506Asn (NM_000356.4, NM_001135245.2); c.1748G>A, p.Ser583Asn (NM_001008657.3, NM_001135243.2, NM_001135244.2 and 1 more transcripts); short protein forms S583N, S506N.
Identifiers: ClinVar variation 2139903 (VCV002139903.4), dbSNP rs756058042, ClinGen allele CA3510991.